The following is an entry in ClinVar:

NM_000051.4(ATM):c.1898+2T>G

Gene: ATM (ATM serine/threonine kinase; plus strand). Cytogenetic location: 11q22.3.
Variant type: single nucleotide variant.
Coding change: c.1898+2T>G on transcript NM_000051.4 (MANE Select); the canonical splice donor site of the intron after coding-DNA position 1898, T replaced by G.
Molecular consequence: splice donor variant.
Genome position (GRCh38, 1-based): chr11:108,252,914, T>G. VCF-style: chr11-108252914-T-G. GRCh37 (hg19) VCF-style: chr11-108123641-T-G.
Other names: c.1898+2T>G (NM_001351834.2).
Identifiers: ClinVar variation 141939 (VCV000141939.78), dbSNP rs587782124, ClinGen allele CA166848.
Genomic context (GRCh38, chr11:108,252,914, plus strand): 5'-AGTCTCACTATGAAAAACTGTAAAGCTGCAATGAATTTTTTCCAAAGCGTGCCAGAATGG[T>G]ATGTTATCTAATAATGCTCTTTATCATTTTAAGCTATAGCTTTAATTACAAAGATGATAA-3'

ClinVar aggregate classification (germline): Pathogenic/Likely pathogenic. Review status: criteria provided, multiple submitters, no conflicts (2 of 4 stars). 15 submissions from 15 submitters: Pathogenic (8); Likely pathogenic (3). 4 of the submissions do not count toward it. Last evaluated 2026-06-15.

Conditions:
Hereditary cancer-predisposing syndrome. Also called: Tumor predisposition; Hereditary neoplastic syndrome; Hereditary Cancer Syndrome; Neoplastic Syndromes, Hereditary. Identifiers: Orphanet 140162, MedGen C0027672, MeSH D009386, MONDO:0015356.
Familial cancer of breast. Also called: Hereditary breast cancer; hereditary breast carcinoma; BREAST CANCER, FAMILIAL. Identifiers: Orphanet 227535, MedGen C0346153, MONDO:0016419, OMIM 114480. Disease mechanism: loss of function.
Ataxia-telangiectasia syndrome (AT). Also called: ATAXIA-TELANGIECTASIA, COMPLEMENTATION GROUP A; ATAXIA-TELANGIECTASIA, FRESNO VARIANT; Ataxia-telangiectasia; Ataxia-telangiectasia, complementation group D; AT, COMPLEMENTATION GROUP C; Ataxia-telangiectasia, complementation group E. Identifiers: Orphanet 100, MedGen C0004135, MONDO:0008840, OMIM 208900.

Allele frequency attached by ClinVar (database versions not stated): gnomAD exomes below 0.00001 and 0.00001.
gnomAD v4.1: 11 of 1,599,468 alleles (0.00069%); highest among the groups gnomAD compares: Non-Finnish European, 0.00094%; no homozygotes.

Submissions (15):

Institute of Human Genetics, University of Leipzig Medical Center
Classification: Pathogenic for Familial cancer of breast. Last evaluated: 2026-06-15. Review status: criteria provided, single submitter. Criteria: ACMG Guidelines, 2015. Collection method: clinical testing. Allele origin: unknown. Affected: yes.
Comment: Criteria applied: PVS1_STR, PM3_STR, PM2_SUP

Labcorp Genetics (formerly Invitae), Labcorp
Classification: Pathogenic for Ataxia-telangiectasia syndrome. Last evaluated: 2026-01-30. Review status: criteria provided, single submitter. Criteria: Invitae Variant Classification Sherloc (09022015). Collection method: clinical testing. Allele origin: germline.
Comment: This sequence change affects a donor splice site in intron 12 of the ATM gene. RNA analysis indicates that disruption of this splice site induces altered splicing and likely results in a shortened protein product. This variant is present in population databases (rs587782124, gnomAD 0.0009%). Disruption of this splice site has been observed in individual(s) with ataxia-telangiectasia and/or breast cancer (PMID: 9463314, 10677309, 16266405, 16941484, 17985259, 23566627, 24090759). In at least one individual the data is consistent with being in trans (on the opposite chromosome) from a pathogenic variant. This variant is also known as IVS14+2T>G. ClinVar contains an entry for this variant (Variation ID: 141939). Studies have shown that disruption of this splice site results in skipping of exon 12, but is expected to preserve the integrity of the reading-frame (internal data). For these reasons, this variant has been classified as Pathogenic.

Color Diagnostics, LLC DBA Color Health
Classification: Pathogenic for Hereditary cancer-predisposing syndrome. Last evaluated: 2025-08-05. Review status: criteria provided, single submitter. Criteria: ACMG Guidelines, 2015. Collection method: clinical testing. Allele origin: germline.
Comment: This variant causes a T to G nucleotide substitution at the +2 position of intron 12 of the ATM gene. This variant is also known as IVS14+2T>G in the literature. This variant has been reported in individuals affected with classic or variant ataxia-telangiectasia (PMID: 9463314, 16266405, 23566627, 24090759, 28126470). Several of these individuals were confirmed to have this variant in trans with a second pathogenic variant (PMID: 16266405, 23566627, 28126470). Cells derived from these biallelic individuals did not show kinase activity (PMID: 23566627, 28126470). This variant has been reported in an individual affected with bilateral breast cancer (PMID: 10677309). This variant has been identified in 1/249862 chromosomes in the general population by the Genome Aggregation Database (gnomAD). Based on the available evidence, this variant is classified as Pathogenic.

Center for Genomic Medicine, Rigshospitalet, Copenhagen University Hospital
Classification: Pathogenic. Last evaluated: 2025-03-04. Review status: criteria provided, single submitter. Criteria: ACMG Guidelines, 2015. Collection method: clinical testing. Allele origin: germline.

Ambry Genetics
Classification: Pathogenic for Hereditary cancer-predisposing syndrome. Last evaluated: 2024-12-27. Review status: criteria provided, single submitter. Criteria: Ambry Variant Classification Scheme 2023. Collection method: clinical testing. Allele origin: germline.
Comment: The c.1898+2T>G pathogenic mutation (also known as IVS14+2T>G) results from a T to G substitution two nucleotides after coding exon 11 in the ATM gene. This variant has previously been reported in multiple individuals with ataxia telangiectasia (Stankovic T et al. Am. J. Hum. Genet. 1998 Feb;62(2):334-45; Mitui M et al. Ann. Hum. Genet. 2005 Nov;69(Pt 6):657-64; Davis MY et al. J. Neurol. Sci. 2013 Dec;335(1-2):134-8; Driessen GJ. J Allergy Clin Immunol . 2013 May;131(5):1367-75.e9). Of note, this alteration is also designated as IVS14+2T>G in the published literature. In silico splice site analysis predicts that this alteration will weaken the native splice donor site. RNA studies have demonstrated that this alteration results in abnormal splicing in the set of samples tested (Ambry internal data). Based on the supporting evidence, this alteration is interpreted as a disease-causing mutation.

Revvity Omics, Revvity
Classification: Pathogenic for Ataxia-telangiectasia syndrome. Last evaluated: 2024-10-23. Review status: criteria provided, single submitter. Criteria: ACMG Guidelines, 2015. Collection method: clinical testing. Allele origin: germline.

Baylor Genetics
Classification: Pathogenic for Familial cancer of breast. Last evaluated: 2024-03-29. Review status: criteria provided, single submitter. Criteria: ACMG Guidelines, 2015. Collection method: clinical testing. Allele origin: unknown.

Myriad Genetics, Inc.
Classification: Likely pathogenic for Familial cancer of breast. Last evaluated: 2024-01-16. Review status: criteria provided, single submitter. Criteria: Myriad Autosomal Dominant, Autosomal Recessive and X-Linked Classification Criteria (2023). Collection method: clinical testing. Allele origin: unknown.
Comment: This variant is considered likely pathogenic. This variant occurs within a consensus splice junction and is predicted to result in abnormal mRNA splicing of either an out-of-frame exon or an in-frame exon necessary for protein stability and/or normal function.

Institute of Medical Genetics and Applied Genomics, University Hospital Tübingen
Classification: Likely pathogenic. Last evaluated: 2020-10-23. Review status: criteria provided, single submitter. Criteria: ACMG Guidelines, 2015. Collection method: clinical testing. Allele origin: germline. Inheritance: Unknown mechanism. Affected: yes.

GeneDx
Classification: Pathogenic. Last evaluated: 2018-11-13. Review status: criteria provided, single submitter. Criteria: GeneDx Variant Classification (06012015). Collection method: clinical testing. Allele origin: germline. Affected: yes.
Comment: This variant is denoted ATM c.1898+2T>G or IVS12+2T>G and consists of a T>G nucleotide substitution at the +2 position of intron 12 of the ATM gene. This variant destroys a canonical splice site and is predicted to cause abnormal gene splicing, leading to an abnormal message that is subject to nonsense-mediated mRNA decay or to an abnormal protein product. This variant, also reported as ATM IVS14+2T>G, has been reported in the compound heterozygous state in individuals with Ataxia-telangiectasia, one of whom also developed pancreatic cancer (Stankovic 1998, Mitui 2005, Verhagen 2007, Cavalieri 2008, Davis 2013). Cell lines from two of these individuals demonstrated radiosensitivity and absence of ATM protein expression and kinase activity (Mitui 2005, Driessen 2013). Based on currently available evidence, we consider this variant to be pathogenic.

CeGaT Center for Human Genetics Tuebingen
Classification: Likely pathogenic. Last evaluated: 2018-07-01. Review status: criteria provided, single submitter. Criteria: CeGaT Center For Human Genetics Tuebingen Variant Classification Criteria Version 2. Collection method: clinical testing. Allele origin: germline. Affected: yes. Observed: 1 variant allele.

Genetic Services Laboratory, University of Chicago
Classification: Pathogenic. Last evaluated: 2022-03-07. Review status: no assertion criteria provided. Collection method: clinical testing. Allele origin: germline. Affected: yes. Not counted in ClinVar's aggregate classification.
Comment: DNA sequence analysis of the ATM gene demonstrated a sequence change in the canonical splice donor site of intron 12, c.1898+2T>G. This sequence change has been previously described in individuals with classic and atypical forms of ataxia-telangiectasia (PMID: 9463314, 23566627, 16266405) and also in one individual who later developed pancreatic adenocarcinoma (PMID: 24090759). It has also been reported in an individual with breast cancer (PMID: 10677309). This sequence change has been described in the gnomAD database in one individual which corresponds to a population frequency of 0.00040% (dbSNP rs587782124). This sequence change is predicted to affect normal splicing of the ATM gene and result in an abnormal protein. Loss-of-function variants in ATM are known to be pathogenic (PMID: 23807571, 25614872). These colective evidences indicate that this sequence change is pathogenic.

Clinical Genetics Laboratory, Department of Pathology, Netherlands Cancer Institute
Classification: Pathogenic. Review status: no assertion criteria provided. Collection method: clinical testing. Allele origin: germline. Affected: yes. Study: VKGL Data-share Consensus. Not counted in ClinVar's aggregate classification.

Diagnostic Laboratory, Department of Genetics, University Medical Center Groningen
Classification: Pathogenic. Review status: no assertion criteria provided. Collection method: clinical testing. Allele origin: germline. Affected: yes. Study: VKGL Data-share Consensus. Not counted in ClinVar's aggregate classification.

Joint Genome Diagnostic Labs from Nijmegen and Maastricht, Radboudumc and MUMC+
Classification: Pathogenic. Review status: no assertion criteria provided. Collection method: clinical testing. Allele origin: germline. Affected: yes. Study: VKGL Data-share Consensus. Not counted in ClinVar's aggregate classification.

Literature cited by the submitters: PubMed 9463314 (cited by 3 submitters); PubMed 10677309 (cited by 4 submitters); PubMed 16266405 (cited by 3 submitters); PubMed 16941484 (cited by Labcorp Genetics (formerly Invitae), Labcorp); PubMed 17985259 (cited by Labcorp Genetics (formerly Invitae), Labcorp); PubMed 23566627 (cited by 3 submitters); PubMed 24090759 (cited by 4 submitters); PubMed 28126470 (cited by Color Diagnostics, LLC DBA Color Health).